The following is an entry in ClinVar:

NM_001197104.2(KMT2A):c.10315_10316delinsAC (p.Gly3439Thr)

Gene: KMT2A (lysine methyltransferase 2A; plus strand). Cytogenetic location: 11q23.3.
Variant type: Indel.
Coding change: c.10315_10316delinsAC on transcript NM_001197104.2 (MANE Select); coding-DNA positions 10315 to 10316, GG replaced by AC.
Protein change: p.Gly3439Thr; replaces glycine 3439 with threonine.
Molecular consequence: missense variant.
Genome position (GRCh38, 1-based): chr11:118,506,207-118,506,208, GG replaced by AC. VCF-style: chr11-118506207-GG-AC. GRCh37 (hg19) VCF-style: chr11-118376922-GG-AC.
Other names: c.10405_10406delGGinsAC, p.Gly3469Thr (NM_001412597.1); c.10306_10307delinsAC, p.Gly3436Thr (NM_005933.4); short protein forms G3436T, G3439T, G3469T.
Identifiers: ClinVar variation 2164854 (VCV002164854.4), dbSNP rs2497029370, ClinGen allele CA2580083669.

ClinVar aggregate classification (germline): Uncertain significance (1 of 4 stars; one submission).

Submission:

Labcorp Genetics (formerly Invitae), Labcorp
Classification: Uncertain significance. Last evaluated: 2024-10-30. Review status: criteria provided, single submitter. Criteria: Invitae Variant Classification Sherloc (09022015). Collection method: clinical testing. Allele origin: germline.
Comment: This sequence change replaces glycine, which is neutral and non-polar, with threonine, which is neutral and polar, at codon 3439 of the KMT2A protein (p.Gly3439Thr). This variant is present in population databases (no rsID available, gnomAD 0.002%). This variant has not been reported in the literature in individuals affected with KMT2A-related conditions. ClinVar contains an entry for this variant (Variation ID: 2164854). An algorithm developed to predict the effect of missense changes on protein structure and function (PolyPhen-2) suggests that this variant is likely to be tolerated. In summary, the available evidence is currently insufficient to determine the role of this variant in disease. Therefore, it has been classified as a Variant of Uncertain Significance.